The following is an entry in ClinVar:

ClinVar aggregate classification (germline): Uncertain significance (1 of 4 stars; one submission).

Conditions:
Arrhythmogenic right ventricular dysplasia 10. Also called: Arrhythmogenic Right Ventricular Dysplasia/Cardiomyopathy10; Arrhythmogenic right ventricular dysplasia/cardiomyopathy, type 10; ARRHYTHMOGENIC RIGHT VENTRICULAR DYSPLASIA, FAMILIAL, 10. Identifiers: MedGen C1857777, MONDO:0012434, OMIM 610193.

Allele frequency attached by ClinVar (database versions not stated): TOPMed below 0.00001.

Submission:

Labcorp Genetics (formerly Invitae), Labcorp
Classification: Uncertain significance for Arrhythmogenic right ventricular dysplasia 10. Last evaluated: 2024-06-25. Review status: criteria provided, single submitter. Criteria: Invitae Variant Classification Sherloc (09022015). Collection method: clinical testing. Allele origin: germline.
Comment: This sequence change replaces arginine, which is basic and polar, with glycine, which is neutral and non-polar, at codon 3 of the DSG2 protein (p.Arg3Gly). This variant is not present in population databases (gnomAD no frequency). This variant has not been reported in the literature in individuals affected with DSG2-related conditions. Advanced modeling of protein sequence and biophysical properties (such as structural, functional, and spatial information, amino acid conservation, physicochemical variation, residue mobility, and thermodynamic stability) performed at Invitae indicates that this missense variant is not expected to disrupt DSG2 protein function with a negative predictive value of 95%. In summary, the available evidence is currently insufficient to determine the role of this variant in disease. Therefore, it has been classified as a Variant of Uncertain Significance.

NM_001943.5(DSG2):c.7C>G (p.Arg3Gly)

Genes: DSG2 (desmoglein 2; plus strand), LOC130062340 (ATAC-STARR-seq lymphoblastoid silent region 9384; plus strand). Cytogenetic location: 18q12.1.
Variant type: single nucleotide variant.
Coding change: c.7C>G on transcript NM_001943.5 (MANE Select); coding-DNA position 7, C replaced by G.
Protein change: p.Arg3Gly; replaces arginine 3 with glycine.
Molecular consequence: missense variant.
Genome position (GRCh38, 1-based): chr18:31,498,258, C>G. VCF-style: chr18-31498258-C-G. GRCh37 (hg19) VCF-style: chr18-29078221-C-G.
Other names: short protein forms R3G.
Identifiers: ClinVar variation 2695863 (VCV002695863.3), dbSNP rs2072994084, ClinGen allele CA402127539.
Genomic context (GRCh38, chr18:31,498,258, plus strand): 5'-GGGCAGGCGGCGGCGCGGAGCGGTGCGGCGGCGGGAGGCGGAGGCGAGGGTGCGATGGCG[C>G]GGAGCCCGGGACGCGCGTACGCCCTGCTGCTTCTCCTGGTAAGTGCCGCAAGCGGGACAG-3'
Protein context (NP_001934.2, residues 1-13): MA[Arg3Gly]SPGRAYALLL